The following is an entry in ClinVar:

ClinVar aggregate classification (germline): Likely pathogenic (1 of 4 stars; one submission).

Submission:

Labcorp Genetics (formerly Invitae), Labcorp
Classification: Likely pathogenic. Last evaluated: 2025-01-29. Review status: criteria provided, single submitter. Criteria: Invitae Variant Classification Sherloc (09022015). Collection method: clinical testing. Allele origin: germline.
Comment: This sequence change affects a donor splice site in intron 2 of the DYNC2LI1 gene. It is expected to disrupt RNA splicing. Variants that disrupt the donor or acceptor splice site typically lead to a loss of protein function (PMID: 16199547), and loss-of-function variants in DYNC2LI1 are known to be pathogenic (PMID: 26077881, 26130459). This variant is not present in population databases (gnomAD no frequency). This variant has not been reported in the literature in individuals affected with DYNC2LI1-related conditions. Algorithms developed to predict the effect of sequence changes on RNA splicing suggest that this variant may disrupt the consensus splice site. In summary, the currently available evidence indicates that the variant is pathogenic, but additional data are needed to prove that conclusively. Therefore, this variant has been classified as Likely Pathogenic.

Literature cited by the submitters: PubMed 16199547; PubMed 26077881; PubMed 26130459.

NM_016008.4(DYNC2LI1):c.126+1G>C

Gene: DYNC2LI1 (dynein cytoplasmic 2 light intermediate chain 1; plus strand). Cytogenetic location: 2p21.
Variant type: single nucleotide variant.
Coding change: c.126+1G>C on transcript NM_016008.4 (MANE Select); the canonical splice donor site of the intron after coding-DNA position 126, G replaced by C.
Molecular consequence: splice donor variant.
Genome position (GRCh38, 1-based): chr2:43,776,900, G>C. VCF-style: chr2-43776900-G-C. GRCh37 (hg19) VCF-style: chr2-44004039-G-C.
Other names: c.126+1G>C (NM_001348913.2, NM_001348912.2, NM_001193464.2 and 1 more transcripts).
Identifiers: ClinVar variation 3729390 (VCV003729390.2).